The following is an entry in ClinVar:

ClinVar aggregate classification (germline): Conflicting classifications of pathogenicity. Review status: criteria provided, conflicting classifications (1 of 4 stars). 2 submissions from 2 submitters: Uncertain significance (1); Likely benign (1). Last evaluated 2025-04-04.

Submissions (2):

Women's Health and Genetics/Laboratory Corporation of America, LabCorp
Classification: Uncertain significance. Last evaluated: 2025-04-04. Review status: criteria provided, single submitter. Criteria: LabCorp Variant Classification Summary - May 2015. Collection method: clinical testing. Allele origin: germline.
Comment: Variant summary: IRF3 c.533A>G (p.Asn178Ser) results in a conservative amino acid change in the encoded protein sequence. Four of five in-silico tools predict a benign effect of the variant on protein function. The variant allele was found at a frequency of 1.3e-05 in 1575482 control chromosomes, predominantly at a frequency of 0.00023 within the East Asian subpopulation in the gnomAD database. To our knowledge, no occurrence of c.533A>G in individuals affected with Herpes Simplex Encephalitis, Susceptibility To, 7 and no experimental evidence demonstrating its impact on protein function have been reported. ClinVar contains an entry for this variant (Variation ID: 3286529). Based on the evidence outlined above, the variant was classified as uncertain significance.

Ambry Genetics
Classification: Likely benign. Last evaluated: 2024-03-15. Review status: criteria provided, single submitter. Criteria: Ambry Variant Classification Scheme 2023. Collection method: clinical testing. Allele origin: germline.

NM_001571.6(IRF3):c.533A>G (p.Asn178Ser)

Gene: IRF3 (interferon regulatory factor 3; minus strand). Cytogenetic location: 19q13.33.
Variant type: single nucleotide variant.
Coding change: c.533A>G on transcript NM_001571.6 (MANE Select); coding-DNA position 533, A replaced by G.
Protein change: p.Asn178Ser; replaces asparagine 178 with serine.
Molecular consequence: missense variant. On other transcripts: non-coding transcript variant (1).
Genome position (GRCh38, 1-based): chr19:49,662,493, T>C on the plus strand (A>G on the coding strand, the complement: IRF3 is on the minus strand). VCF-style: chr19-49662493-T-C. GRCh37 (hg19) VCF-style: chr19-50165750-T-C.
Other names: c.533A>G, p.Asn178Ser (NM_001197122.2, NM_001197124.2); c.428A>G, p.Asn143Ser (NM_001197123.2); c.95A>G, p.Asn32Ser (NM_001197125.2, NM_001197126.2, NM_001197127.2 and 1 more transcripts); short protein forms N178S, N143S, N32S.
Identifiers: ClinVar variation 3286529 (VCV003286529.3).
Genomic context (GRCh38, chr19:49,662,493, plus strand): 5'-GGCACCAACAGCCGCTTCAGTGGGTTCTCAGAGGGCCCCAGGTTTGGGAAGGGAGTGGGA[T>C]TGTCCAAGCTGGGGCTCCGCAGGGGCTGAGGGCAGGGCTCAGGGGCTACAGCCAGGCTTG-3'
Protein context (NP_001562.1, residues 168-188): PQPLRSPSLD[Asn178Ser]PTPFPNLGPS